The following is an entry in ClinVar:

ClinVar aggregate classification (germline): Uncertain significance (1 of 4 stars; one submission).

Submission:

GeneDx
Classification: Uncertain significance. Last evaluated: 2024-03-26. Review status: criteria provided, single submitter. Criteria: GeneDx Variant Classification Process June 2021. Collection method: clinical testing. Allele origin: germline. Affected: yes.
Comment: Not observed at significant frequency in large population cohorts (gnomAD); In silico analysis supports that this missense variant has a deleterious effect on protein structure/function; Has not been previously published as pathogenic or benign to our knowledge

NM_016284.5(CNOT1):c.5389C>T (p.His1797Tyr)

Gene: CNOT1 (CCR4-NOT transcription complex subunit 1; minus strand). Cytogenetic location: 16q21.
Variant type: single nucleotide variant.
Coding change: c.5389C>T on transcript NM_016284.5 (MANE Select); coding-DNA position 5389, C replaced by T.
Protein change: p.His1797Tyr; replaces histidine 1797 with tyrosine.
Molecular consequence: missense variant. On other transcripts: non-coding transcript variant (1).
Genome position (GRCh38, 1-based): chr16:58,537,916, G>A on the plus strand (C>T on the coding strand, the complement: CNOT1 is on the minus strand). VCF-style: chr16-58537916-G-A. GRCh37 (hg19) VCF-style: chr16-58571820-G-A.
Other names: c.5374C>T, p.His1792Tyr (NM_001265612.2); short protein forms H1792Y, H1797Y.
Identifiers: ClinVar variation 3371241 (VCV003371241.1).